The following is an entry in ClinVar:

NM_001110556.2(FLNA):c.1176G>A (p.Glu392=)

Gene: FLNA (filamin A; minus strand). Cytogenetic location: Xq28.
Variant type: single nucleotide variant.
Coding change: c.1176G>A on transcript NM_001110556.2 (MANE Select); coding-DNA position 1176, G replaced by A.
Protein change: p.Glu392=; no amino-acid change (glutamic acid 392 retained).
Molecular consequence: synonymous variant.
Genome position (GRCh38, 1-based): chrX:154,366,360, C>T on the plus strand (G>A on the coding strand, the complement: FLNA is on the minus strand). VCF-style: chrX-154366360-C-T. GRCh37 (hg19) VCF-style: chrX-153594728-C-T.
Other names: p.E392E:GAG>GAA; p.Glu392=; c.1176G>A, p.Glu392= (NM_001456.4).
Identifiers: ClinVar variation 129065 (VCV000129065.44), dbSNP rs201173693, ClinGen allele CA288849.
Genomic context (GRCh38, chrX:154,366,360, plus strand): 5'-CCCCTCACCTGCCGTAAAGATCTCAAAGTAGGTGGTCTTGTTGGCGATGTTGCCACTGGG[C>T]TCCAGGCCGGGACCTTGGGCTGTCACTTTGCTGGCGTCACCCTGTGACTTATCCACGTAC-3'
Protein context (NP_001104026.1, residues 382-402): SKVTAQGPGL[Glu392=]PSGNIANKTT

ClinVar aggregate classification (germline): Benign/Likely benign. Review status: criteria provided, multiple submitters, no conflicts (2 of 4 stars). 17 submissions from 17 submitters: Benign (8); Likely benign (6). 3 of the submissions do not count toward it. Last evaluated 2026-02-03.

Conditions:
Frontometaphyseal dysplasia (FMD1). Identifiers: Orphanet 1826, MedGen C0265293, MONDO:0015942.
Heterotopia, periventricular, X-linked dominant (PVNH1). Also called: PERIVENTRICULAR NODULAR HETEROTOPIA 4; HETEROTOPIA, PERIVENTRICULAR, 1; PERIVENTRICULAR NODULAR HETEROTOPIA 1; X-linked periventricular heterotopia. Identifiers: Orphanet 2149, Orphanet 82004, MedGen C1848213, MONDO:0010233, OMIM 300049.
Oto-palato-digital syndrome, type II (OPD2). Also called: Otopalatodigital Syndrome, Type II; Otopalatodigital Syndrome Type 2 (FLNA-OPD2); FACIOPALATOOSSEOUS SYNDROME; OPD II SYNDROME. Identifiers: Orphanet 669, Orphanet 90652, MedGen C1844696, MONDO:0010571, OMIM 304120.
Melnick-Needles syndrome (MNS). Also called: MELNICK-NEEDLES OSTEODYSPLASTY; Melnick-Needles Syndrome (FLNA-MNS); OSTEODYSPLASTY OF MELNICK AND NEEDLES. Identifiers: Orphanet 2484, MedGen C0025237, MONDO:0010650, OMIM 309350.
Connective tissue disorder. Also called: Connective tissue disease. Identifiers: MedGen C0009782, MONDO:0003900.
FG syndrome 2 (FGS2). Identifiers: MedGen C1845902, MONDO:0010297, OMIM 300321.
Cardiac valvular dysplasia, X-linked (CVDPX). Also called: MYXOMATOUS VALVULAR DYSTROPHY, X-LINKED; Congenital valvular dysplasia; FLNA-Related X-linked Cardiac Valvular Dysplasia; Isolated X-Linked Cardiac Valvular Dysplasia; VALVULAR HEART DISEASE, CONGENITAL. Identifiers: Orphanet 1864, Orphanet 555877, Orphanet 75497, MedGen C0262436, MONDO:0010753, OMIM 314400.
Intestinal pseudoobstruction, neuronal, chronic idiopathic, X-linked (CIIPX). Also called: INTESTINAL PSEUDOOBSTRUCTION, NEURONAL, CHRONIC IDIOPATHIC, WITH CENTRAL NERVOUS SYSTEM INVOLVEMENT; CONGENITAL IDIOPATHIC INTESTINAL PSEUDOOBSTRUCTION; FLNA-Related Periventricular Nodular Heterotopia (FLNA-Related PVNH; Huttenlocher Syndrome). Identifiers: Orphanet 2301, MedGen C2746068, MONDO:0010232, OMIM 300048.
Oto-palato-digital syndrome, type I (OPD1). Also called: Otopalatodigital Syndrome, Type I; Otopalatodigital Syndrome Type 1 (FLNA-OPD1); OPD I SYNDROME; OPD SYNDROME 1; Taybi syndrome. Identifiers: Orphanet 669, Orphanet 90650, MedGen C0265251, MONDO:0010704, OMIM 311300.
Terminal osseous dysplasia-pigmentary defects syndrome. Also called: ODPD; TERMINAL OSSEOUS DYSPLASIA AND PIGMENTARY DEFECTS; ODPF SYNDROME; OSSEOUS DYSPLASIA, DIGITAL, WITH FACIAL PIGMENTARY DEFECTS AND MULTIPLE FRENULA; Terminal Osseous Dysplasia (FLNA-TOD). Identifiers: Orphanet 88630, MedGen C1846129, MONDO:0010279, OMIM 300244.
Frontometaphyseal dysplasia 1 (FMD1). Also called: Frontometaphyseal Dysplasia (FLNA-FMD). Identifiers: Orphanet 1826, MedGen C4281559, MONDO:0024550, OMIM 305620.
Familial thoracic aortic aneurysm and aortic dissection (TAAD). Also called: Thoracic aortic aneurysms and dissections. Identifiers: Orphanet 91387, MedGen C4707243, MONDO:0019625.

Allele frequency attached by ClinVar (database versions not stated): 1000 Genomes Project 0.00053; 1000 Genomes Project 30x 0.00062; ExAC 0.00424; gnomAD exomes 0.00436 and 0.00725; gnomAD 0.00438 and 0.00446; TOPMed 0.00445; ESP Exome Variant Server 0.00648.
gnomAD v4.1: 8,336 of 1,211,157 alleles (0.69%); highest among the groups gnomAD compares: Non-Finnish European, 0.85%; 31 homozygotes.

Submissions (17):

Labcorp Genetics (formerly Invitae), Labcorp
Classification: Benign for Oto-palato-digital syndrome, type II; Heterotopia, periventricular, X-linked dominant; Frontometaphyseal dysplasia; Melnick-Needles syndrome. Last evaluated: 2026-02-03. Review status: criteria provided, single submitter. Criteria: Invitae Variant Classification Sherloc (09022015). Collection method: clinical testing. Allele origin: germline.

ARUP Laboratories, Molecular Genetics and Genomics, ARUP Laboratories
Classification: Benign. Last evaluated: 2025-07-21. Review status: criteria provided, single submitter. Criteria: ARUP Molecular Germline Variant Investigation Process 2024. Collection method: clinical testing. Allele origin: germline.

Molecular Diagnostic Laboratory for Inherited Cardiovascular Disease, Montreal Heart Institute
Classification: Benign. Last evaluated: 2025-04-09. Review status: criteria provided, single submitter. Criteria: ACMG Guidelines, 2015. Collection method: clinical testing. Allele origin: germline. Affected: no.

Blueprint Genetics
Classification: Likely benign. Last evaluated: 2024-11-26. Review status: criteria provided, single submitter. Criteria: ACMG Guidelines, 2015. Collection method: clinical testing. Allele origin: germline.

Mayo Clinic Laboratories, Mayo Clinic
Classification: Likely benign. Last evaluated: 2023-11-09. Review status: criteria provided, single submitter. Criteria: ACMG Guidelines, 2015. Collection method: clinical testing. Allele origin: germline. Observed: 80 variant alleles.
Comment: BS2, BP4, BP6, BP7

Women's Health and Genetics/Laboratory Corporation of America, LabCorp
Classification: Benign. Last evaluated: 2023-08-24. Review status: criteria provided, single submitter. Criteria: LabCorp Variant Classification Summary - May 2015. Collection method: clinical testing. Allele origin: germline.

Fulgent Genetics
Classification: Likely benign for Intestinal pseudoobstruction, neuronal, chronic idiopathic, X-linked; Heterotopia, periventricular, X-linked dominant; Terminal osseous dysplasia-pigmentary defects syndrome; FG syndrome 2; Oto-palato-digital syndrome, type II; Frontometaphyseal dysplasia 1; Melnick-Needles syndrome; Oto-palato-digital syndrome, type I; Cardiac valvular dysplasia, X-linked. Last evaluated: 2021-09-14. Review status: criteria provided, single submitter. Criteria: ACMG Guidelines, 2015. Collection method: clinical testing. Allele origin: unknown.

Center for Human Genetics, Inc
Classification: Likely benign for Connective tissue disorder. Last evaluated: 2016-11-01. Review status: criteria provided, single submitter. Criteria: ACMG Guidelines, 2015. Collection method: clinical testing. Allele origin: germline. Affected: yes.

Ambry Genetics
Classification: Likely benign for Familial thoracic aortic aneurysm and aortic dissection. Last evaluated: 2015-02-18. Review status: criteria provided, single submitter. Criteria: Ambry Variant Classification Scheme 2023. Collection method: clinical testing. Allele origin: germline.

Eurofins Ntd Llc (ga)
Classification: Benign. Last evaluated: 2014-11-10. Review status: criteria provided, single submitter. Criteria: EGL Classification Definitions 2015. Collection method: clinical testing. Allele origin: germline. Observed: 2 variant alleles, 2 heterozygotes.

GeneDx
Classification: Benign. Last evaluated: 2014-08-26. Review status: criteria provided, single submitter. Criteria: GeneDx Variant Classification (06012015). Collection method: clinical testing. Allele origin: germline. Affected: yes.
Comment: This variant is considered likely benign or benign based on one or more of the following criteria: it is a conservative change, it occurs at a poorly conserved position in the protein, it is predicted to be benign by multiple in silico algorithms, and/or has population frequency not consistent with disease.

Genetic Services Laboratory, University of Chicago
Classification: Benign for AllHighlyPenetrant. Last evaluated: 2013-11-25. Review status: criteria provided, single submitter. Criteria: ACMG Guidelines, 2007. Collection method: clinical testing. Allele origin: germline. Inheritance: X-linked inheritance.

Claritas Genomics
Classification: Benign. Last evaluated: 2013-03-29. Review status: criteria provided, single submitter. Criteria: ACMG Guidelines, 2007. Collection method: clinical testing. Allele origin: germline. Inheritance: X-linked inheritance.

PreventionGenetics, part of Exact Sciences
Classification: Likely benign. Review status: criteria provided, single submitter. Criteria: ACMG Guidelines, 2015. Collection method: clinical testing. Allele origin: germline.

Clinical Genetics DNA and cytogenetics Diagnostics Lab, Erasmus MC, Erasmus Medical Center
Classification: Likely benign. Review status: no assertion criteria provided. Collection method: clinical testing. Allele origin: germline. Affected: yes. Study: VKGL Data-share Consensus. Not counted in ClinVar's aggregate classification.

Genome Diagnostics Laboratory, Amsterdam University Medical Center
Classification: Benign. Review status: no assertion criteria provided. Collection method: clinical testing. Allele origin: germline. Affected: yes. Study: VKGL Data-share Consensus. Not counted in ClinVar's aggregate classification.

Joint Genome Diagnostic Labs from Nijmegen and Maastricht, Radboudumc and MUMC+
Classification: Likely benign. Review status: no assertion criteria provided. Collection method: clinical testing. Allele origin: germline. Affected: yes. Study: VKGL Data-share Consensus. Not counted in ClinVar's aggregate classification.

Literature cited by the submitters: PubMed 18805826 (cited by Mayo Clinic Laboratories, Mayo Clinic).